The following is an entry in ClinVar:

ClinVar aggregate classification (germline): Uncertain significance (1 of 4 stars; one submission).

Allele frequency attached by ClinVar (database versions not stated): gnomAD exomes below 0.00001.
gnomAD v4.1: 1 of 1,612,430 alleles (0.000062%); highest among the groups gnomAD compares: Non-Finnish European, 0.000085%; no homozygotes.

Submission:

GeneDx
Classification: Uncertain significance. Last evaluated: 2020-11-09. Review status: criteria provided, single submitter. Criteria: GeneDx Variant Classification Process June 2021. Collection method: clinical testing. Allele origin: germline. Affected: yes.
Comment: Not observed in large population cohorts (Lek et al., 2016); In silico analysis, which includes protein predictors and evolutionary conservation, supports that this variant does not alter protein structure/function; Has not been previously published as pathogenic or benign to our knowledge

NM_138927.4(SON):c.5401G>A (p.Glu1801Lys)

Gene: SON (SON DNA and RNA binding protein; plus strand). Cytogenetic location: 21q22.11.
Variant type: single nucleotide variant.
Coding change: c.5401G>A on transcript NM_138927.4 (MANE Select); coding-DNA position 5401, G replaced by A.
Protein change: p.Glu1801Lys; replaces glutamic acid 1801 with lysine.
Molecular consequence: missense variant. On other transcripts: non-coding transcript variant (1), intron variant (1).
Genome position (GRCh38, 1-based): chr21:33,554,632, G>A. VCF-style: chr21-33554632-G-A. GRCh37 (hg19) VCF-style: chr21-34926938-G-A.
Other names: c.5401G>A, p.Glu1801Lys (NM_001291411.2, NM_032195.3); c.245-2524G>A (NM_001291412.3); short protein forms E1801K.
Identifiers: ClinVar variation 1311441 (VCV001311441.2), dbSNP rs2145837883, ClinGen allele CA410164707.